The following is an entry in ClinVar:

ClinVar aggregate classification (germline): Likely benign. Review status: criteria provided, multiple submitters, no conflicts (2 of 4 stars). 4 submissions from 4 submitters: Likely benign (4). Last evaluated 2025-12-30.

Conditions:
ZNF423-related disorder. Also called: ZNF423-related condition.
Nephronophthisis 14 (NPHP14). Identifiers: Orphanet 2318, MedGen C3539071, MONDO:0013916, OMIM 614844.

Allele frequency attached by ClinVar (database versions not stated): gnomAD exomes 0.00001 and 0.00002; ExAC 0.00002; gnomAD 0.00007 and 0.00008; TOPMed 0.00017; 1000 Genomes Project 0.00040; 1000 Genomes Project 30x 0.00062.
gnomAD v4.1: 20 of 1,613,562 alleles (0.0012%); highest among the groups gnomAD compares: Admixed American, 0.03%; 1 homozygote.

Submissions (4):

PreventionGenetics, part of Exact Sciences
Classification: Likely benign for ZNF423-related condition. Last evaluated: 2025-12-30. Review status: criteria provided, single submitter. Criteria: ACMG Guidelines, 2015. Collection method: clinical testing. Allele origin: germline.
Comment: This variant is classified as likely benign based on ACMG/AMP sequence variant interpretation guidelines (Richards et al. 2015 PMID: 25741868, with internal and published modifications).

Labcorp Genetics (formerly Invitae), Labcorp
Classification: Likely benign for Nephronophthisis 14. Last evaluated: 2025-07-21. Review status: criteria provided, single submitter. Criteria: Invitae Variant Classification Sherloc (09022015). Collection method: clinical testing. Allele origin: germline.

Mayo Clinic Laboratories, Mayo Clinic
Classification: Likely benign. Last evaluated: 2025-04-21. Review status: criteria provided, single submitter. Criteria: ACMG Guidelines, 2015. Collection method: clinical testing. Allele origin: germline. Observed: 1 variant allele.
Comment: BP4, BP7

Blueprint Genetics
Classification: Likely benign. Last evaluated: 2018-12-05. Review status: criteria provided, single submitter. Criteria: ACMG Guidelines, 2015. Collection method: clinical testing. Allele origin: germline.

NM_001379286.1(ZNF423):c.2058G>A (p.Leu686=)

Gene: ZNF423 (zinc finger protein 423; minus strand). Cytogenetic location: 16q12.1.
Variant type: single nucleotide variant.
Coding change: c.2058G>A on transcript NM_001379286.1 (MANE Select); coding-DNA position 2058, G replaced by A.
Protein change: p.Leu686=; no amino-acid change (leucine 686 retained).
Molecular consequence: synonymous variant.
Genome position (GRCh38, 1-based): chr16:49,637,118, C>T on the plus strand (G>A on the coding strand, the complement: ZNF423 is on the minus strand). VCF-style: chr16-49637118-C-T. GRCh37 (hg19) VCF-style: chr16-49671029-C-T.
Other names: p.Leu678=; c.1854G>A, p.Leu618= (NM_001271620.2); c.1683G>A, p.Leu561= (NM_001330533.2); c.2034G>A, p.Leu678= (NM_015069.5); c.2034G>A (NM_015069.4).
Identifiers: ClinVar variation 1105676 (VCV001105676.12), dbSNP rs201624375, ClinGen allele CA8046579.